The following is an entry in ClinVar:

ClinVar aggregate classification (germline): Benign (1 of 4 stars; one submission).

Allele frequency attached by ClinVar (database versions not stated): gnomAD 0.01711 and 0.01838; TOPMed 0.01886; gnomAD exomes 0.00207; 1000 Genomes Project 0.01478; 1000 Genomes Project 30x 0.01593.
gnomAD v4.1: 3,405 of 527,966 alleles (0.64%); highest among the groups gnomAD compares: African/African-American, 5.8%; 98 homozygotes.

Submission:

GeneDx
Classification: Benign. Last evaluated: 2018-06-14. Review status: criteria provided, single submitter. Criteria: GeneDx Variant Classification (06012015). Collection method: clinical testing. Allele origin: germline. Affected: yes.
Comment: This variant is considered likely benign or benign based on one or more of the following criteria: it is a conservative change, it occurs at a poorly conserved position in the protein, it is predicted to be benign by multiple in silico algorithms, and/or has population frequency not consistent with disease.

NM_003119.4(SPG7):c.1552+231C>T

Gene: SPG7 (SPG7 matrix AAA peptidase subunit, paraplegin; plus strand). Cytogenetic location: 16q24.3.
Variant type: single nucleotide variant.
Coding change: c.1552+231C>T on transcript NM_003119.4 (MANE Select); 231 bases into the intron after coding-DNA position 1552, C replaced by T.
Molecular consequence: intron variant.
Genome position (GRCh38, 1-based): chr16:89,546,991, C>T. VCF-style: chr16-89546991-C-T. GRCh37 (hg19) VCF-style: chr16-89613399-C-T.
Other names: c.1552+231C>T (NM_001363850.1).
Identifiers: ClinVar variation 680023 (VCV000680023.1), dbSNP rs78210031, ClinGen allele CA286562077.